The following is an entry in ClinVar:

ClinVar aggregate classification (germline): Uncertain significance (1 of 4 stars; one submission).

Conditions:
Inborn genetic diseases. Identifiers: MedGen C0950123, MeSH D030342.

Submission:

Ambry Genetics
Classification: Uncertain significance for Inborn genetic diseases. Last evaluated: 2024-11-16. Review status: criteria provided, single submitter. Criteria: Ambry Variant Classification Scheme 2023. Collection method: clinical testing. Allele origin: germline.
Comment: The p.F1185L variant (also known as c.3555T>A), located in coding exon 26 of the LRRK2 gene, results from a T to A substitution at nucleotide position 3555. The phenylalanine at codon 1185 is replaced by leucine, an amino acid with highly similar properties. This amino acid position is conserved. In addition, this alteration is predicted to be tolerated by in silico analysis. Since supporting evidence is limited at this time, the clinical significance of this alteration remains unclear.

NM_198578.4(LRRK2):c.3555T>A (p.Phe1185Leu)

Gene: LRRK2 (leucine rich repeat kinase 2; plus strand). Cytogenetic location: 12q12.
Variant type: single nucleotide variant.
Coding change: c.3555T>A on transcript NM_198578.4 (MANE Select); coding-DNA position 3555, T replaced by A.
Protein change: p.Phe1185Leu; replaces phenylalanine 1185 with leucine.
Molecular consequence: missense variant.
Genome position (GRCh38, 1-based): chr12:40,302,847, T>A. VCF-style: chr12-40302847-T-A. GRCh37 (hg19) VCF-style: chr12-40696649-T-A.
Other names: short protein forms F1185L.
Identifiers: ClinVar variation 1732626 (VCV001732626.4), dbSNP rs1944680653, ClinGen allele CA384416426.
Genomic context (GRCh38, chr12:40,302,847, plus strand): 5'-AGCTGCTATGCCTTTCTTGCCTCCTTCTATGACAATCCTAAAATTATCTCAGAACAAATT[T>A]TCCTGTATTCCAGAAGCAATTTTAAATCTTCCACAGTAAGTTTATTGTTATTTTAATTTT-3'
Protein context (NP_940980.4, residues 1175-1195): MTILKLSQNK[Phe1185Leu]SCIPEAILNL